The following is an entry in ClinVar:

ClinVar aggregate classification (germline): Uncertain significance (1 of 4 stars; one submission).

Conditions:
Hypogonadotropic hypogonadism 22 with or without anosmia (HH22). Identifiers: Orphanet 478, MedGen C4014988, MONDO:0014461, OMIM 616030.

Submission:

Department of Medical Genomics, Royal Prince Alfred Hospital
Classification: Uncertain significance for Hypogonadotropic hypogonadism 22 with or without anosmia. Last evaluated: 2026-04-08. Review status: criteria provided, single submitter. Criteria: ACMG Guidelines, 2015. Collection method: clinical testing. Allele origin: unknown. Affected: yes. Observed: 1 variant allele, 1 heterozygote.
Comment: Pathogenic loss of function variants in the FEZF1 gene have been associated with recessive Kallmann syndrome in two families previously. This variant has been observed in a single heterozygote in control population (gnonAD v4.1.1). The variant transcript is predicted to be subject to nonsense mediated decay.

Literature cited by the submitters: PubMed 25192046.

NM_001024613.4(FEZF1):c.721dup (p.Ile241fs)

Genes: FEZF1 (FEZ family zinc finger 1; minus strand), FEZF1-AS1 (FEZF1 antisense RNA 1; plus strand). Cytogenetic location: 7q31.32.
Variant type: Duplication.
Coding change: c.721dup on transcript NM_001024613.4 (MANE Select); coding-DNA position 721, one base duplicated (A; older notation c.721dupA).
Protein change: p.Ile241fs; shifts the reading frame from isoleucine 241.
Molecular consequence: frameshift variant. On other transcripts: non-coding transcript variant (1).
Genome position (GRCh38, 1-based): chr7:122,303,717, T duplicated on the plus strand (A on the coding strand, the reverse complement: FEZF1 is on the minus strand); the first of 6 consecutive T bases (chr7:122,303,717-122,303,722); duplicating any one gives the same sequence. VCF-style (leftmost placement, unchanged base first): chr7-122303716-A-AT. GRCh37 (hg19) VCF-style: chr7-121943770-A-AT.
Other names: c.566dup, p.Ile191Asnfs (NM_001160264.3); short protein forms I241fs, I191fs.
Identifiers: ClinVar variation 4845207 (VCV004845207.1).